The following is an entry in ClinVar:

ClinVar aggregate classification (germline): Conflicting classifications of pathogenicity. Review status: criteria provided, conflicting classifications (1 of 4 stars). 17 submissions from 13 submitters: Uncertain significance (4); Benign (4); Likely benign (9). Last evaluated 2026-09-21.

Conditions:
TTN-related disorder. Also called: TTN-related disorders; TTN-related condition; TTN-related disease.
Autosomal recessive limb-girdle muscular dystrophy type 2J (LGMDR10). Also called: Limb-girdle muscular dystrophy, type 2J; MUSCULAR DYSTROPHY, LIMB-GIRDLE, AUTOSOMAL RECESSIVE 10. Identifiers: Orphanet 140922, MedGen C1837342, MONDO:0012127, OMIM 608807.
Dilated cardiomyopathy 1G (CMD1G). Identifiers: Orphanet 154, MedGen C1858763, MONDO:0011400, OMIM 604145.
Cardiomyopathy (CMYO). Also called: Cardiomyopathies. Identifiers: Orphanet 167848, MedGen C0878544, MONDO:0004994, HP:0001638. Inheritance: Various modes of inheritance.
Myopathy, myofibrillar, 9, with early respiratory failure (MFM9). Also called: EDSTROM MYOPATHY; MYOPATHY, PROXIMAL, WITH EARLY RESPIRATORY MUSCLE INVOLVEMENT; Hereditary myopathy with early respiratory failure; Myopathy, distal, with early respiratory failure, autosomal dominant. Identifiers: Orphanet 178464, Orphanet 34521, MedGen C1863599, MONDO:0011362, OMIM 603689.
Early-onset myopathy with fatal cardiomyopathy (CMYO5). Also called: Salih Myopathy; CONGENITAL MYOPATHY 5 WITH CARDIOMYOPATHY. Identifiers: Orphanet 289377, MedGen C2673677, MONDO:0012714, OMIM 611705. Disease mechanism: loss of function.
Tibial muscular dystrophy (TMD). Also called: Udd Distal Myopathy – Tibial Muscular Dystrophy; Tibial muscular dystrophy, tardive; UDD MYOPATHY. Identifiers: Orphanet 609, MedGen C1838244, MONDO:0010870, OMIM 600334.

Allele frequency attached by ClinVar (database versions not stated): 1000 Genomes Project 30x 0.00031; 1000 Genomes Project 0.00040; gnomAD exomes 0.00050; gnomAD 0.00054 and 0.00058; TOPMed 0.00080; ExAC 0.00081; ESP Exome Variant Server 0.00150.
gnomAD v4.1: 1,576 of 1,606,584 alleles (0.098%); highest among the groups gnomAD compares: Non-Finnish European, 0.12%; no homozygotes.

Submissions (17):

Molecular Diagnostic Laboratory for Inherited Cardiovascular Disease, Montreal Heart Institute
Classification: Likely benign. Last evaluated: 2026-09-21. Review status: criteria provided, single submitter. Criteria: ACMG Guidelines, 2015. Collection method: clinical testing. Allele origin: germline. Affected: no.

CeGaT Center for Human Genetics Tuebingen
Classification: Likely benign. Last evaluated: 2026-08-01. Review status: criteria provided, single submitter. Criteria: CeGaT Center For Human Genetics Tuebingen Variant Classification Criteria Version 2. Collection method: clinical testing. Allele origin: germline. Affected: yes. Observed: 9 variant alleles.
Comment: TTN: PM2:Supporting, BP4, BS2

Labcorp Genetics (formerly Invitae), Labcorp
Classification: Likely benign for Dilated cardiomyopathy 1G; Autosomal recessive limb-girdle muscular dystrophy type 2J. Last evaluated: 2026-02-02. Review status: criteria provided, single submitter. Criteria: Invitae Variant Classification Sherloc (09022015). Collection method: clinical testing. Allele origin: germline.

PreventionGenetics, part of Exact Sciences
Classification: Likely benign for TTN-related condition. Last evaluated: 2025-04-09. Review status: criteria provided, single submitter. Criteria: ACMG Guidelines, 2015. Collection method: clinical testing. Allele origin: germline.
Comment: This variant is classified as likely benign based on ACMG/AMP sequence variant interpretation guidelines (Richards et al. 2015 PMID: 25741868, with internal and published modifications).

Blueprint Genetics
Classification: Likely benign. Last evaluated: 2024-11-08. Review status: criteria provided, single submitter. Criteria: ACMG Guidelines, 2015. Collection method: clinical testing. Allele origin: germline.

CHEO Genetics Diagnostic Laboratory, Children's Hospital of Eastern Ontario
Classification: Benign for Cardiomyopathy. Last evaluated: 2022-07-08. Review status: criteria provided, single submitter. Criteria: ACMG Guidelines, 2015. Collection method: clinical testing. Allele origin: germline.

Women's Health and Genetics/Laboratory Corporation of America, LabCorp
Classification: Benign. Last evaluated: 2021-03-25. Review status: criteria provided, single submitter. Criteria: LabCorp Variant Classification Summary - May 2015. Collection method: clinical testing. Allele origin: germline.
Comment: Variant summary: TTN c.32387C>T (p.Ala10796Val) results in a non-conservative amino acid change located in the I-band region of the encoded protein sequence. Four of five in-silico tools predict a benign effect of the variant on protein function. The variant allele was found at a frequency of 0.0005 in 238506 control chromosomes, predominantly at a frequency of 0.0015 within the Latino subpopulation in the gnomAD database. The observed variant frequency within Latino control individuals in the gnomAD database is approximately 3.8- fold the estimated maximal expected allele frequency for a pathogenic variant in TTN causing Dilated Cardiomyopathy phenotype (0.00039), strongly suggesting that the variant is a benign polymorphism found primarily in populations of Latino origin. c.32387C>T has been reported in the literature in at least one individual affected with Cardiomyopathy without strong evidence for causality (e.g. Lopes_2013). This report does not provide unequivocal conclusions about association of the variant with Dilated Cardiomyopathy. To our knowledge, no experimental evidence demonstrating an impact on protein function has been reported. Six other clinical diagnostic laboratories have submitted clinical-significance assessments for this variant to ClinVar after 2014 without evidence for independent evaluation, citing the variant as benign/likely benign (n=4) and uncertain significance (n=2). Based on the evidence outlined above, the variant was classified as benign.

GeneDx
Classification: Likely benign. Last evaluated: 2020-10-06. Review status: criteria provided, single submitter. Criteria: GeneDx Variant Classification Process June 2021. Collection method: clinical testing. Allele origin: germline. Affected: yes.
Comment: This variant is associated with the following publications: (PMID: 23396983)

Athena Diagnostics
Classification: Likely benign. Last evaluated: 2019-04-16. Review status: criteria provided, single submitter. Criteria: Athena Diagnostics Criteria. Collection method: clinical testing. Allele origin: germline.

Illumina Laboratory Services, Illumina
Classification: Uncertain significance for Early-onset myopathy with fatal cardiomyopathy. Last evaluated: 2018-01-12. Review status: criteria provided, single submitter. Criteria: ICSL Variant Classification Criteria 13 December 2019. Collection method: clinical testing. Allele origin: germline.

Illumina Laboratory Services, Illumina
Classification: Uncertain significance for Dilated cardiomyopathy 1G. Last evaluated: 2018-01-12. Review status: criteria provided, single submitter. Criteria: ICSL Variant Classification Criteria 13 December 2019. Collection method: clinical testing. Allele origin: germline.

Illumina Laboratory Services, Illumina
Classification: Benign for Tibial muscular dystrophy. Last evaluated: 2018-01-12. Review status: criteria provided, single submitter. Criteria: ICSL Variant Classification Criteria 13 December 2019. Collection method: clinical testing. Allele origin: germline.
Comment: This variant was observed in the ICSL laboratory as part of a predisposition screen in an ostensibly healthy population. It had not been previously curated by ICSL or reported in the Human Gene Mutation Database (HGMD: prior to June 1st, 2018), and was therefore a candidate for classification through an automated scoring system. Utilizing variant allele frequency, disease prevalence and penetrance estimates, and inheritance mode, an automated score was calculated to assess if this variant is too frequent to cause the disease. Based on the score and internal cut-off values, a variant classified as benign is not then subjected to further curation. The score for this variant resulted in a classification of benign for this disease.

Illumina Laboratory Services, Illumina
Classification: Benign for Myopathy, myofibrillar, 9, with early respiratory failure. Last evaluated: 2018-01-12. Review status: criteria provided, single submitter. Criteria: ICSL Variant Classification Criteria 13 December 2019. Collection method: clinical testing. Allele origin: germline.
Comment: the same text as in the submission from Illumina Laboratory Services, Illumina above.

Illumina Laboratory Services, Illumina
Classification: Uncertain significance for Autosomal recessive limb-girdle muscular dystrophy type 2J. Last evaluated: 2018-01-12. Review status: criteria provided, single submitter. Criteria: ICSL Variant Classification Criteria 13 December 2019. Collection method: clinical testing. Allele origin: germline.

Eurofins Ntd Llc (ga)
Classification: Uncertain significance. Last evaluated: 2017-06-07. Review status: criteria provided, single submitter. Criteria: EGL Classification Definitions 2015. Collection method: clinical testing. Allele origin: germline. Observed: 6 variant alleles, 6 heterozygotes.

Laboratory for Molecular Medicine, Mass General Brigham Personalized Medicine
Classification: Likely benign. Last evaluated: 2014-04-17. Review status: criteria provided, single submitter. Criteria: LMM Criteria. Collection method: clinical testing. Allele origin: germline. Observed: 3 variant alleles.
Comment: p.Ala10796Val in exon 163 of TTN: This variant is not expected to have clinical significance due to a lack of conservation across species, including mammals. Of note, >40 species including primates, rats and mice have a valine (Val) at this position despite high nearby amino acid conservation. The Ala10796Val variant a lso been identified in 0.21% (17/8192) of European American chromosomes by the N HLBI Exome Sequencing Project (dbSNP rs148140 756).

Biesecker Lab/Clinical Genomics Section, National Institutes of Health
Classification: Likely benign. Last evaluated: 2013-06-24. Review status: criteria provided, single submitter. Criteria: Ng et al. (Circ Cardiovasc Genet. 2013). Collection method: research. Allele origin: unknown. Observed: 1 variant allele. Study: ClinSeq.
Comment: The study set was not selected for affection status in relation to any cancer. Pathogenicity categories were based on literature curation. See Pubmed ID:23861362 for details.

Medical sequencing

Literature cited by the submitters: PubMed 23396983 (cited by Women's Health and Genetics/Laboratory Corporation of America, LabCorp).

NM_001267550.2(TTN):c.39689C>T (p.Ala13230Val)

Gene: TTN (titin; minus strand). Cytogenetic location: 2q31.2.
Variant type: single nucleotide variant.
Coding change: c.39689C>T on transcript NM_001267550.2 (MANE Select); coding-DNA position 39689, C replaced by T.
Protein change: p.Ala13230Val; replaces alanine 13230 with valine.
Molecular consequence: missense variant. On other transcripts: intron variant (3).
Genome position (GRCh38, 1-based): chr2:178,650,771, G>A on the plus strand (C>T on the coding strand, the complement: TTN is on the minus strand). VCF-style: chr2-178650771-G-A. GRCh37 (hg19) VCF-style: chr2-179515498-G-A.
Other names: p.A11723V:GCG>GTG; c.13283-8454C>T (NM_003319.4); c.13859-8454C>T (NM_133437.4); c.13658-8454C>T (NM_133432.3); c.35168C>T, p.Ala11723Val (NM_001256850.1); c.32387C>T, p.Ala10796Val (NM_133378.4); short protein forms A10796V, A13230V, A11723V.
Identifiers: ClinVar variation 166080 (VCV000166080.56), dbSNP rs148140756, ClinGen allele CA178871.
Genomic context (GRCh38, chr2:178,650,771, plus strand): 5'-CGCAAGTGGCAAGGTCATTAATCACCGGTCTCACGTGTACCTTCTGGGGGAGGAGACTCC[G>A]CTCTTTCTGGAACAGGAACAGCTGGTTTCTCTTCCAAGACAGGTTTCTTTGGCACTTCTG-3'
Protein context (NP_001254479.2, residues 13220-13240): EKPAVPVPER[Ala13230Val]ESPPPEVYEE